The following is an entry in ClinVar:

ClinVar aggregate classification (germline): Uncertain significance. Review status: reviewed by expert panel (3 of 4 stars). 4 submissions from 4 submitters: Uncertain significance (1). 3 of the submissions do not count toward it. Last evaluated 2023-08-21.

Conditions:
CDH1-related diffuse gastric and lobular breast cancer syndrome. Also called: CDH1-related diffuse gastric and lobular breast cancer. Identifiers: MedGen CN311521, MONDO:0100488.
Hereditary cancer-predisposing syndrome. Also called: Hereditary neoplastic syndrome; Neoplastic Syndromes, Hereditary; Tumor predisposition; Hereditary Cancer Syndrome. Identifiers: Orphanet 140162, MedGen C0027672, MeSH D009386, MONDO:0015356.
Hereditary diffuse gastric adenocarcinoma (HDGC). Also called: DIFFUSE GASTRIC AND LOBULAR BREAST CANCER SYNDROME. Identifiers: Orphanet 26106, MedGen C1708349, MONDO:0007648, OMIM 137215.

Submissions (4):

Clingen Gastric Cancer Variant Curation Expert Panel
Classification: Uncertain significance for CDH1-related diffuse gastric and lobular breast cancer syndrome. Last evaluated: 2023-08-21. Review status: reviewed by expert panel. Criteria: ClinGen CDH1 ACMG Specifications V3.1. Collection method: curation. Allele origin: germline. Inheritance: Autosomal dominant inheritance.
Comment: The c.1566-2A>G variant is a canonical splice variant predicted to result in the use of a cryptic splice site which preserves the reading frame (PVS1_moderate). This variant is absent in the gnomAD cohort (PM2_supporting). This variant has been reported in one individual meeting criteria for HDGC (PS4_supporting; PMID: 31841163). In summary, the clinical significance of this variant is classified as of uncertain significance based the ACMG/AMP criteria applied, as specified by the CDH1 Variant Curation Expert Panel (Variant Interpretation Guidelines Version 3.1): PVS1_moderate, PS4_supporting, PM2_supporting.

Ambry Genetics
Classification: Likely pathogenic for Hereditary cancer-predisposing syndrome. Last evaluated: 2023-12-21. Review status: criteria provided, single submitter. Criteria: Ambry Variant Classification Scheme 2023. Collection method: clinical testing. Allele origin: germline. Not counted in ClinVar's aggregate classification.
Comment: The c.1566-2A>G intronic variant results from an A to G substitution two nucleotides upstream from coding exon 11 in the CDH1 gene. This alteration has been reported in an individual who was found to have two foci of signet ring cell carcinoma on total gastrectomy; however they had no significant family history of hereditary diffuse gastric cancer and multiple additional individuals over the age of 50 were found to be positive for this variant but did not have gastric cancer (Katona BW et al. J. Natl. Cancer Inst., 2020 Apr;112:330-334). This nucleotide position is highly conserved in available vertebrate species. In silico splice site analysis predicts that this alteration will weaken the native splice acceptor site and will result in the creation or strengthening of a novel in-frame splice acceptor site. RNA studies have demonstrated both in-frame and out-of-frame abnormal splicing in the set of samples tested; the clinical impact of this abnormal splicing is unknown at this time (Ambry internal data). Based on this data, this variant is classified as likely pathogenic; however it may not result in classic hereditary diffuse gastric cancer syndrome based on the limited data available. As risk estimates are unknown at this time, clinical correlation is advised.

Myriad Genetics, Inc.
Classification: Likely pathogenic for Hereditary diffuse gastric adenocarcinoma. Last evaluated: 2023-06-14. Review status: criteria provided, single submitter. Criteria: Myriad Autosomal Dominant, Autosomal Recessive and X-Linked Classification Criteria (2023). Collection method: clinical testing. Allele origin: unknown. Not counted in ClinVar's aggregate classification.
Comment: This variant is considered likely pathogenic. This variant occurs within a consensus splice junction and is predicted to result in abnormal mRNA splicing of either an out-of-frame exon or an in-frame exon necessary for protein stability and/or normal function.

Labcorp Genetics (formerly Invitae), Labcorp
Classification: Likely pathogenic for Hereditary diffuse gastric adenocarcinoma. Last evaluated: 2017-03-13. Review status: criteria provided, single submitter. Criteria: Invitae Variant Classification Sherloc (09022015). Collection method: clinical testing. Allele origin: germline. Not counted in ClinVar's aggregate classification.
Comment: In summary, donor and acceptor splice site variants are typically loss-of-function (PMID: 16199547), and loss-of-function variants in CDH1 are known to be pathogenic (PMID: 15235021, 20373070). However, without additional functional and/or genetic data, this variant has been classified as Likely Pathogenic. This variant has not been reported in the literature in individuals with a CDH1-related disease. This sequence change affects an acceptor splice site in intron 10 of the CDH1 gene. It is expected to disrupt RNA splicing and likely results in an absent or disrupted protein product.

Literature cited by the submitters: PubMed 31841163 (cited by Ambry Genetics); PubMed 16199547 (cited by Labcorp Genetics (formerly Invitae), Labcorp); PubMed 15235021 (cited by Labcorp Genetics (formerly Invitae), Labcorp); PubMed 20373070 (cited by Labcorp Genetics (formerly Invitae), Labcorp).

NM_004360.5(CDH1):c.1566-2A>G

Gene: CDH1 (cadherin 1; plus strand). Cytogenetic location: 16q22.1.
Variant type: single nucleotide variant.
Coding change: c.1566-2A>G on transcript NM_004360.5 (MANE Select); the canonical splice acceptor site of the intron before coding-DNA position 1566, A replaced by G.
Molecular consequence: splice acceptor variant. On other transcripts: intron variant (1).
Genome position (GRCh38, 1-based): chr16:68,819,278, A>G. VCF-style: chr16-68819278-A-G. GRCh37 (hg19) VCF-style: chr16-68853181-A-G.
Other names: c.18-2A>G (NM_001317185.2); c.-254-2723A>G (NM_001317186.2); c.1383-2A>G (NM_001317184.2).
Identifiers: ClinVar variation 463723 (VCV000463723.14), dbSNP rs1555516520, ClinGen allele CA396464772.